The following is an entry in ClinVar:

NM_181703.4(GJA5):c.287C>T (p.Ala96Val)

Gene: GJA5 (gap junction protein alpha 5; minus strand). Cytogenetic location: 1q21.2.
Variant type: single nucleotide variant.
Coding change: c.287C>T on transcript NM_181703.4 (MANE Select); coding-DNA position 287, C replaced by T.
Protein change: p.Ala96Val; replaces alanine 96 with valine.
Molecular consequence: missense variant.
Genome position (GRCh38, 1-based): chr1:147,758,952, G>A on the plus strand (C>T on the coding strand, the complement: GJA5 is on the minus strand). VCF-style: chr1-147758952-G-A. GRCh37 (hg19) VCF-style: chr1-147231060-G-A.
Other names: c.287C>T, p.Ala96Val (NM_005266.7); short protein forms A96V.
Identifiers: ClinVar variation 1930928 (VCV001930928.6), dbSNP rs2524611624, ClinGen allele CA342397228.

ClinVar aggregate classification (germline): Uncertain significance. Review status: criteria provided, multiple submitters, no conflicts (2 of 4 stars). 2 submissions from 2 submitters: Uncertain significance (2). Last evaluated 2022-11-22.

Conditions:
Inborn genetic diseases. Identifiers: MedGen C0950123, MeSH D030342.
Atrial fibrillation, familial, 11 (ATFB11). Identifiers: MedGen C3279693, MONDO:0013544, OMIM 614049.
Atrial standstill 1 (ATRST1). Also called: ATRIAL CARDIOMYOPATHY WITH HEART BLOCK; CARDIOMYOPATHY, FAMILIAL, WITH CONDUCTION DISTURBANCE; Atrial standstill, digenic (GJA5/SCN5A). Identifiers: Orphanet 1344, MedGen C4551959, MONDO:0007171, OMIM 108770.

Allele frequency attached by ClinVar (database versions not stated): gnomAD exomes below 0.00001.
gnomAD v4.1: 2 of 1,614,210 alleles (0.00012%); highest among the groups gnomAD compares: South Asian, 0.0022%; no homozygotes.

Submissions (2):

Ambry Genetics
Classification: Uncertain significance for Inborn genetic diseases. Last evaluated: 2022-11-22. Review status: criteria provided, single submitter. Criteria: Ambry Variant Classification Scheme 2023. Collection method: clinical testing. Allele origin: germline.

Labcorp Genetics (formerly Invitae), Labcorp
Classification: Uncertain significance for Atrial fibrillation, familial, 11; Atrial standstill 1. Last evaluated: 2022-11-01. Review status: criteria provided, single submitter. Criteria: Invitae Variant Classification Sherloc (09022015). Collection method: clinical testing. Allele origin: germline.
Comment: This sequence change replaces alanine, which is neutral and non-polar, with valine, which is neutral and non-polar, at codon 96 of the GJA5 protein (p.Ala96Val). This variant is not present in population databases (gnomAD no frequency). This variant has not been reported in the literature in individuals affected with GJA5-related conditions. Advanced modeling of protein sequence and biophysical properties (such as structural, functional, and spatial information, amino acid conservation, physicochemical variation, residue mobility, and thermodynamic stability) performed at Invitae indicates that this missense variant is not expected to disrupt GJA5 protein function. In summary, the available evidence is currently insufficient to determine the role of this variant in disease. Therefore, it has been classified as a Variant of Uncertain Significance.